The following is an entry in ClinVar:

NM_004304.5(ALK):c.4041del (p.Met1348fs)

Gene: ALK (ALK receptor tyrosine kinase; minus strand). Cytogenetic location: 2p23.2.
Variant type: Deletion.
Coding change: c.4041del on transcript NM_004304.5 (MANE Select); coding-DNA position 4041, one base deleted (G; older notation c.4041delG).
Protein change: p.Met1348fs; shifts the reading frame from methionine 1348.
Molecular consequence: frameshift variant.
Genome position (GRCh38, 1-based): chr2:29,197,574, C deleted on the plus strand (G on the coding strand, the reverse complement: ALK is on the minus strand); the first of 2 consecutive C bases (chr2:29,197,574-29,197,575); deleting either gives the same sequence. VCF-style (leftmost placement, unchanged base first): chr2-29197573-TC-T. GRCh37 (hg19) VCF-style: chr2-29420439-TC-T.
Other names: c.837del, p.Met280fs (NM_001353765.2); short protein forms M1348fs, M280fs.
Identifiers: ClinVar variation 2714078 (VCV002714078.3), dbSNP rs2465882511, ClinGen allele CA2697547960.
Genomic context (GRCh38, chr2:29,197,573, plus strand): 5'-TAGCAGAAGTGTTCCTAAAAGAGTCATACACAGGCCCAGGGCAGTTCTTGGGTGGGTCCA[TC>T]CGGCCTCCACTGGTGACAAACTCCAGAACTTCCTGGTTGCTTTTGCTGGGGTATGGCATA-3'

ClinVar aggregate classification (germline): Uncertain significance (1 of 4 stars; one submission).

Conditions:
Neuroblastoma, susceptibility to, 3. Also called: ALK-Related Neuroblastic Tumor Susceptibility. Identifiers: Orphanet 635, MedGen C2751681, MONDO:0013083, OMIM 613014.

Submission:

Labcorp Genetics (formerly Invitae), Labcorp
Classification: Uncertain significance for Neuroblastoma, susceptibility to, 3. Last evaluated: 2024-01-29. Review status: criteria provided, single submitter. Criteria: Invitae Variant Classification Sherloc (09022015). Collection method: clinical testing. Allele origin: germline.
Comment: This sequence change creates a premature translational stop signal (p.Met1348Trpfs*14) in the ALK gene. It is expected to result in an absent or disrupted protein product. However, the current clinical and genetic evidence is not sufficient to establish whether loss-of-function variants in ALK cause disease. This variant is not present in population databases (gnomAD no frequency). This variant has not been reported in the literature in individuals affected with ALK-related conditions. In summary, the available evidence is currently insufficient to determine the role of this variant in disease. Therefore, it has been classified as a Variant of Uncertain Significance.